The following is an entry in ClinVar:

ClinVar aggregate classification (germline): Pathogenic (1 of 4 stars; one submission).

Conditions:
Epidermolysis bullosa simplex with nail dystrophy (EBS5D). Identifiers: MedGen C4225309, MONDO:0014661, OMIM 616487.
Epidermolysis bullosa simplex 5C, with pyloric atresia (EBS5C). Also called: PLEC-Related Epidermolysis Bullosa with Pyloric Atresia; Epidermolysis bullosa simplex with pyloric atresia; PLEC1-Related Epidermolysis Bullosa with Pyloric Atresia. Identifiers: Orphanet 158684, MedGen C2677349, MONDO:0012807, OMIM 612138.
Autosomal recessive limb-girdle muscular dystrophy type 2Q (LGMDR17). Also called: MUSCULAR DYSTROPHY, LIMB-GIRDLE, AUTOSOMAL RECESSIVE 17. Identifiers: Orphanet 254361, MedGen C3150989, MONDO:0013390, OMIM 613723.
Epidermolysis bullosa simplex 5B, with muscular dystrophy (EBS5B). Also called: Epidermolysis bullosa simplex with muscular dystrophy; EPIDERMOLYSIS BULLOSA SIMPLEX AND LIMB-GIRDLE MUSCULAR DYSTROPHY. Identifiers: Orphanet 257, MedGen C2931072, MONDO:0009181, OMIM 226670.
Epidermolysis bullosa simplex, Ogna type (EBS5A). Also called: Pidermolysis bullosa simplex 5A, Ogna type; EPIDERMOLYSIS BULLOSA SIMPLEX 5A, OGNA TYPE. Identifiers: Orphanet 79401, MedGen C0432317, MONDO:0007555, OMIM 131950.

Submission:

Labcorp Genetics (formerly Invitae), Labcorp
Classification: Pathogenic for Autosomal recessive limb-girdle muscular dystrophy type 2Q; Epidermolysis bullosa simplex, Ogna type; Epidermolysis bullosa simplex with nail dystrophy; Epidermolysis bullosa simplex 5C, with pyloric atresia; Epidermolysis bullosa simplex 5B, with muscular dystrophy. Last evaluated: 2022-08-09. Review status: criteria provided, single submitter. Criteria: Invitae Variant Classification Sherloc (09022015). Collection method: clinical testing. Allele origin: germline.
Comment: This sequence change creates a premature translational stop signal (p.Arg4337Alafs*19) in the PLEC gene. While this is not anticipated to result in nonsense mediated decay, it is expected to disrupt the last 238 amino acid(s) of the PLEC protein. This variant is not present in population databases (gnomAD no frequency). This variant disrupts a region of the PLEC protein in which other variant(s) (p.Lys4460*) have been determined to be pathogenic (PMID: 10652002). This suggests that this is a clinically significant region of the protein, and that variants that disrupt it are likely to be disease-causing. For these reasons, this variant has been classified as Pathogenic. ClinVar contains an entry for this variant (Variation ID: 1454360). This variant has not been reported in the literature in individuals affected with PLEC-related conditions.

Literature cited by the submitters: PubMed 10652002.

NM_201384.3(PLEC):c.12926dup (p.Arg4310fs)

Gene: PLEC (plectin; minus strand). Cytogenetic location: 8q24.3.
Variant type: Duplication.
Coding change: c.12926dup on transcript NM_201384.3 (MANE Select); coding-DNA position 12926, one base duplicated (A; older notation c.12926dupA).
Protein change: p.Arg4310fs; shifts the reading frame from arginine 4310.
Molecular consequence: frameshift variant.
Genome position (GRCh38, 1-based): chr8:143,916,895, T duplicated on the plus strand (A on the coding strand, the reverse complement: PLEC is on the minus strand). VCF-style (leftmost placement, unchanged base first): chr8-143916894-C-CT. GRCh37 (hg19) VCF-style: chr8-144991062-C-CT.
Other names: c.13007dup, p.Arg4337fs (NM_000445.5); c.12884dup, p.Arg4296fs (NM_201378.4); c.12860dup, p.Arg4288fs (NM_201379.3); c.13337dup, p.Arg4447fs (NM_201380.4); c.12830dup, p.Arg4278fs (NM_201381.3); c.12926dup, p.Arg4310fs (NM_201382.4); c.12938dup, p.Arg4314fs (NM_201383.3); short protein forms R4278fs, R4337fs, R4447fs, R4310fs, R4288fs, R4296fs, R4314fs.
Identifiers: ClinVar variation 1454360 (VCV001454360.8), dbSNP rs2130817714, ClinGen allele CA2573142979.
Genomic context (GRCh38, chr8:143,916,894, plus strand): 5'-GCGCTCACCGGTGCTGGGGTCGATGATGCCCCCGGTGCAGGCCTGCGCCTCCAGCAGCCG[C>CT]TGCCCCGTGATGTTATCCACCAGGTTCCGGTGCATGGCCTCGGTGATGGACACCTTCTCC-3'